The following is an entry in ClinVar:

NM_001292063.2(OTOG):c.916del (p.Ala306fs)

Gene: OTOG (otogelin; plus strand). Cytogenetic location: 11p15.1.
Variant type: Deletion.
Coding change: c.916del on transcript NM_001292063.2 (MANE Select); coding-DNA position 916, one base deleted (G; older notation c.916delG).
Protein change: p.Ala306fs; shifts the reading frame from alanine 306.
Molecular consequence: frameshift variant.
Genome position (GRCh38, 1-based): chr11:17,558,235, G deleted; the last of 2 consecutive G bases (chr11:17,558,234-17,558,235); deleting either gives the same sequence. VCF-style (leftmost placement, unchanged base first): chr11-17558233-AG-A. GRCh37 (hg19) VCF-style: chr11-17579780-AG-A.
Other names: c.952del, p.Ala318fs (NM_001277269.2); short protein forms A306fs, A318fs.
Identifiers: ClinVar variation 4685460 (VCV004685460.1).

ClinVar aggregate classification (germline): Likely pathogenic (1 of 4 stars; one submission).

Conditions:
Autosomal recessive nonsyndromic hearing loss 18B. Also called: Deafness, autosomal recessive 18b. Identifiers: Orphanet 90636, MedGen C3554163, MONDO:0013985, OMIM 614945.

Submission:

Laboratory of Prof. Karen Avraham, Tel Aviv University
Classification: Likely pathogenic for Autosomal recessive nonsyndromic hearing loss 18B. Last evaluated: 2026-01-12. Review status: criteria provided, single submitter. Criteria: ACMG Guidelines, 2015. Collection method: research. Allele origin: germline. Inheritance: Autosomal recessive inheritance. Affected: yes. Observed: 1 compound heterozygote.